The following is an entry in ClinVar:

ClinVar aggregate classification (germline): Uncertain significance. Review status: criteria provided, multiple submitters, no conflicts (2 of 4 stars). 2 submissions from 2 submitters: Uncertain significance (2). Last evaluated 2025-09-10.

Conditions:
Hereditary cancer-predisposing syndrome. Also called: Tumor predisposition; Hereditary Cancer Syndrome; Hereditary neoplastic syndrome; Neoplastic Syndromes, Hereditary. Identifiers: Orphanet 140162, MedGen C0027672, MeSH D009386, MONDO:0015356.
Hereditary nonpolyposis colorectal neoplasms. Identifiers: MedGen C0009405, MeSH D003123.

Allele frequency attached by ClinVar (database versions not stated): ExAC below 0.00001; TOPMed below 0.00001; gnomAD 0.00001 and 0.00002; 1000 Genomes Project 30x 0.00062.
gnomAD v4.1: 3 of 1,537,666 alleles (0.0002%); highest among the groups gnomAD compares: African/African-American, 0.0041%; no homozygotes.

Submissions (2):

Labcorp Genetics (formerly Invitae), Labcorp
Classification: Uncertain significance for Hereditary nonpolyposis colorectal neoplasms. Last evaluated: 2025-09-10. Review status: criteria provided, single submitter. Criteria: Invitae Variant Classification Sherloc (09022015). Collection method: clinical testing. Allele origin: germline.
Comment: This sequence change falls in intron 14 of the PMS2 gene. It does not directly change the encoded amino acid sequence of the PMS2 protein. It affects a nucleotide within the consensus splice site. The frequency data for this variant in the population databases (gnomAD) is considered unreliable due to the presence of homologous sequence, such as pseudogenes or paralogs, in the genome. This variant has not been reported in the literature in individuals affected with PMS2-related conditions. ClinVar contains an entry for this variant (Variation ID: 411025). Variants that disrupt the consensus splice site are a relatively common cause of aberrant splicing (PMID: 17576681, 9536098). Algorithms developed to predict the effect of sequence changes on RNA splicing suggest that this variant is not likely to affect RNA splicing. In summary, the available evidence is currently insufficient to determine the role of this variant in disease. Therefore, it has been classified as a Variant of Uncertain Significance.

Ambry Genetics
Classification: Uncertain significance for Hereditary cancer-predisposing syndrome. Last evaluated: 2025-01-18. Review status: criteria provided, single submitter. Criteria: Ambry Variant Classification Scheme 2023. Collection method: clinical testing. Allele origin: germline.
Comment: The c.2445+3A>T intronic variant results from an A to T substitution 3 nucleotides after coding exon 14 in the PMS2 gene. This nucleotide position is not well conserved in available vertebrate species. In silico splice site analysis predicts that this alteration will not have any significant effect on splicing. Since supporting evidence is limited at this time, the clinical significance of this alteration remains unclear.

Literature cited by the submitters: PubMed 17576681 (cited by Labcorp Genetics (formerly Invitae), Labcorp); PubMed 9536098 (cited by Labcorp Genetics (formerly Invitae), Labcorp).

NM_000535.7(PMS2):c.2445+3A>T

Gene: PMS2 (PMS1 homolog 2, mismatch repair system component; minus strand). Cytogenetic location: 7p22.1.
Variant type: single nucleotide variant.
Coding change: c.2445+3A>T on transcript NM_000535.7 (MANE Select); 3 bases into the intron after coding-DNA position 2445, A replaced by T.
Molecular consequence: intron variant.
Genome position (GRCh38, 1-based): chr7:5,977,585, T>A on the plus strand (A>T on the coding strand, the complement: PMS2 is on the minus strand). VCF-style: chr7-5977585-T-A. GRCh37 (hg19) VCF-style: chr7-6017216-T-A.
Other names: c.2127+3A>T (NM_001322008.2, NM_001322007.2); c.1884+3A>T (NM_001322010.2); c.2040+3A>T (NM_001322004.2, NM_001322003.2, NM_001322005.2); c.1872+3A>T (NM_001322013.2); c.1512+3A>T (NM_001322012.2, NM_001322011.2); c.2136+3A>T (NM_001322015.2); c.2289+3A>T (NM_001322006.2); c.2478+3A>T (NM_001322014.2); and 1 more.
Identifiers: ClinVar variation 411025 (VCV000411025.10), dbSNP rs765667554, ClinGen allele CA048275.